The following is an entry in ClinVar:

NM_002449.5(MSX2):c.73G>C (p.Gly25Arg)

Gene: MSX2 (msh homeobox 2; plus strand). Cytogenetic location: 5q35.2.
Variant type: single nucleotide variant.
Coding change: c.73G>C on transcript NM_002449.5 (MANE Select); coding-DNA position 73, G replaced by C.
Protein change: p.Gly25Arg; replaces glycine 25 with arginine.
Molecular consequence: missense variant.
Genome position (GRCh38, 1-based): chr5:174,724,732, G>C. VCF-style: chr5-174724732-G-C. GRCh37 (hg19) VCF-style: chr5-174151735-G-C.
Other names: c.73G>C, p.Gly25Arg (NM_001363626.2); short protein forms G25R.
Identifiers: ClinVar variation 1978706 (VCV001978706.5), dbSNP rs778800326, ClinGen allele CA3565098.

ClinVar aggregate classification (germline): Uncertain significance. Review status: criteria provided, multiple submitters, no conflicts (2 of 4 stars). 2 submissions from 2 submitters: Uncertain significance (2). Last evaluated 2023-06-10.

Conditions:
Inborn genetic diseases. Identifiers: MedGen C0950123, MeSH D030342.
Cranium bifidum occultum. Also called: CATLIN MARKS; CRANIUM BIFIDUM, HEREDITARY; Enlarged Parietal Foramina. Identifiers: MedGen C1868598, HP:0004423.

Allele frequency attached by ClinVar (database versions not stated): TOPMed below 0.00001; ExAC 0.00003.

Submissions (2):

Labcorp Genetics (formerly Invitae), Labcorp
Classification: Uncertain significance for Cranium bifidum occultum. Last evaluated: 2023-06-10. Review status: criteria provided, single submitter. Criteria: Invitae Variant Classification Sherloc (09022015). Collection method: clinical testing. Allele origin: germline.
Comment: The frequency data for this variant in the population databases is considered unreliable, as metrics indicate poor data quality at this position in the gnomAD database. This variant has not been reported in the literature in individuals affected with MSX2-related conditions. ClinVar contains an entry for this variant (Variation ID: 1978706). In summary, the available evidence is currently insufficient to determine the role of this variant in disease. Therefore, it has been classified as a Variant of Uncertain Significance. An algorithm developed to predict the effect of missense changes on protein structure and function (PolyPhen-2) suggests that this variant is likely to be tolerated. This sequence change replaces glycine, which is neutral and non-polar, with arginine, which is basic and polar, at codon 25 of the MSX2 protein (p.Gly25Arg).

Ambry Genetics
Classification: Uncertain significance for Inborn genetic diseases. Last evaluated: 2021-06-11. Review status: criteria provided, single submitter. Criteria: Ambry Variant Classification Scheme 2023. Collection method: clinical testing. Allele origin: germline.